The following is an entry in ClinVar:

NM_015346.4(ZFYVE26):c.4024C>T (p.Arg1342Cys)

Gene: ZFYVE26 (zinc finger FYVE-type containing 26; minus strand). Cytogenetic location: 14q24.1.
Variant type: single nucleotide variant.
Coding change: c.4024C>T on transcript NM_015346.4 (MANE Select); coding-DNA position 4024, C replaced by T.
Protein change: p.Arg1342Cys; replaces arginine 1342 with cysteine.
Molecular consequence: missense variant.
Genome position (GRCh38, 1-based): chr14:67,783,128, G>A on the plus strand (C>T on the coding strand, the complement: ZFYVE26 is on the minus strand). VCF-style: chr14-67783128-G-A. GRCh37 (hg19) VCF-style: chr14-68249845-G-A.
Other names: c.4024C>T (NM_015346.3); short protein forms R1342C.
Identifiers: ClinVar variation 2138509 (VCV002138509.4), dbSNP rs368778263, ClinGen allele CA7239857.

ClinVar aggregate classification (germline): Uncertain significance. Review status: criteria provided, multiple submitters, no conflicts (2 of 4 stars). 2 submissions from 2 submitters: Uncertain significance (2). Last evaluated 2025-02-25.

Conditions:
Spastic paraplegia. Identifiers: MedGen C0037772, HP:0001258.
Inborn genetic diseases. Identifiers: MedGen C0950123, MeSH D030342.

Allele frequency attached by ClinVar (database versions not stated): ESP Exome Variant Server 0.00008.
gnomAD v4.1: 148 of 1,608,562 alleles (0.0092%); highest among the groups gnomAD compares: South Asian, 0.044%; 1 homozygote.

Submissions (2):

Ambry Genetics
Classification: Uncertain significance for Inborn genetic diseases. Last evaluated: 2025-02-25. Review status: criteria provided, single submitter. Criteria: Ambry Variant Classification Scheme 2023. Collection method: clinical testing. Allele origin: germline.

Labcorp Genetics (formerly Invitae), Labcorp
Classification: Uncertain significance for Spastic paraplegia. Last evaluated: 2021-09-01. Review status: criteria provided, single submitter. Criteria: Invitae Variant Classification Sherloc (09022015). Collection method: clinical testing. Allele origin: germline.
Comment: This sequence change replaces arginine with cysteine at codon 1342 of the ZFYVE26 protein (p.Arg1342Cys). The arginine residue is moderately conserved and there is a large physicochemical difference between arginine and cysteine. This variant is present in population databases (rs368778263, ExAC 0.05%). This variant has not been reported in the literature in individuals affected with ZFYVE26-related conditions. Algorithms developed to predict the effect of missense changes on protein structure and function are either unavailable or do not agree on the potential impact of this missense change (SIFT: "Tolerated"; PolyPhen-2: "Possibly Damaging"; Align-GVGD: "Class C0"). In summary, the available evidence is currently insufficient to determine the role of this variant in disease. Therefore, it has been classified as a Variant of Uncertain Significance.